The following is an entry in ClinVar:

ClinVar aggregate classification (germline): Uncertain significance. Review status: criteria provided, multiple submitters, no conflicts (2 of 4 stars). 2 submissions from 2 submitters: Uncertain significance (2). Last evaluated 2019-08-01.

Submissions (2):

GeneDx
Classification: Uncertain significance. Last evaluated: 2019-08-01. Review status: criteria provided, single submitter. Criteria: GeneDx Variant Classification Process June 2021. Collection method: clinical testing. Allele origin: germline. Affected: yes.
Comment: Not observed in large population cohorts (Lek et al., 2016); This variant is associated with the following publications: (PMID: 26124496)

PreventionGenetics, part of Exact Sciences
Classification: Uncertain significance. Last evaluated: 2018-11-26. Review status: criteria provided, single submitter. Criteria: ACMG Guidelines, 2015. Collection method: clinical testing. Allele origin: germline.

NM_032638.5(GATA2):c.1165_1170del (p.Lys389_Lys390del)

Gene: GATA2 (GATA binding protein 2; minus strand). Cytogenetic location: 3q21.3.
Variant type: Deletion.
Coding change: c.1165_1170del on transcript NM_032638.5 (MANE Select); coding-DNA positions 1165 to 1170, 6 bases deleted (AAGAAG; older notation c.1165_1170delAAGAAG).
Protein change: p.Lys389_Lys390del.
Molecular consequence: inframe deletion.
Genome position (GRCh38, 1-based): chr3:128,481,292-128,481,297, CTTCTT deleted on the plus strand (AAGAAG on the coding strand, the reverse complement: GATA2 is on the minus strand); deleting any 6 consecutive bases within chr3:128,481,292-128,481,298 gives the same sequence; the c. name uses the placement nearest the transcript's 3' end. VCF-style (leftmost placement, unchanged base first): chr3-128481291-CCTTCTT-C. GRCh37 (hg19) VCF-style: chr3-128200134-CCTTCTT-C.
Other names: c.1165_1170del, p.Lys389_Lys390del (NM_001145661.2); c.1123_1128del, p.Lys375_Lys376del (NM_001145662.1).
Identifiers: ClinVar variation 800681 (VCV000800681.4), dbSNP rs1576744556, ClinGen allele CA645529124.